The following is an entry in ClinVar:

ClinVar aggregate classification (germline): Uncertain significance. Review status: criteria provided, multiple submitters, no conflicts (2 of 4 stars). 3 submissions from 3 submitters: Uncertain significance (3). Last evaluated 2025-03-01.

Conditions:
Primary ciliary dyskinesia. Also called: Ciliary dyskinesia. Identifiers: Orphanet 244, MedGen C0008780, MONDO:0016575, HP:0012265.

Allele frequency attached by ClinVar (database versions not stated): gnomAD exomes 0.00002; ExAC 0.00003; gnomAD 0.00004; TOPMed 0.00005; ESP Exome Variant Server 0.00008.
gnomAD v4.1: 33 of 1,613,944 alleles (0.002%); highest among the groups gnomAD compares: African/African-American, 0.012%; no homozygotes.

Submissions (3):

Ambry Genetics
Classification: Uncertain significance for Primary ciliary dyskinesia. Last evaluated: 2025-03-01. Review status: criteria provided, single submitter. Criteria: Ambry Variant Classification Scheme 2023. Collection method: clinical testing. Allele origin: germline.

GeneDx
Classification: Uncertain significance. Last evaluated: 2024-04-03. Review status: criteria provided, single submitter. Criteria: GeneDx Variant Classification Process June 2021. Collection method: clinical testing. Allele origin: germline. Affected: yes.
Comment: In silico analysis supports that this missense variant has a deleterious effect on protein structure/function; Has not been previously published as pathogenic or benign to our knowledge

Labcorp Genetics (formerly Invitae), Labcorp
Classification: Uncertain significance for Primary ciliary dyskinesia. Last evaluated: 2023-12-11. Review status: criteria provided, single submitter. Criteria: Invitae Variant Classification Sherloc (09022015). Collection method: clinical testing. Allele origin: germline.
Comment: This sequence change replaces arginine, which is basic and polar, with histidine, which is basic and polar, at codon 959 of the CCDC40 protein (p.Arg959His). This variant is present in population databases (rs369114517, gnomAD 0.02%). This variant has not been reported in the literature in individuals affected with CCDC40-related conditions. ClinVar contains an entry for this variant (Variation ID: 1510073). Advanced modeling of protein sequence and biophysical properties (such as structural, functional, and spatial information, amino acid conservation, physicochemical variation, residue mobility, and thermodynamic stability) performed at Invitae indicates that this missense variant is not expected to disrupt CCDC40 protein function with a negative predictive value of 80%. In summary, the available evidence is currently insufficient to determine the role of this variant in disease. Therefore, it has been classified as a Variant of Uncertain Significance.

NM_017950.4(CCDC40):c.2876G>A (p.Arg959His)

Gene: CCDC40 (coiled-coil domain 40 molecular ruler complex subunit; plus strand). Cytogenetic location: 17q25.3.
Variant type: single nucleotide variant.
Coding change: c.2876G>A on transcript NM_017950.4 (MANE Select); coding-DNA position 2876, G replaced by A.
Protein change: p.Arg959His; replaces arginine 959 with histidine.
Molecular consequence: missense variant.
Genome position (GRCh38, 1-based): chr17:80,095,306, G>A. VCF-style: chr17-80095306-G-A. GRCh37 (hg19) VCF-style: chr17-78069105-G-A.
Other names: c.2876G>A (NM_017950.3); short protein forms R959H.
Identifiers: ClinVar variation 1510073 (VCV001510073.7), dbSNP rs369114517, ClinGen allele CA8814538.